The following is an entry in ClinVar:

ClinVar aggregate classification (germline): Uncertain significance (1 of 4 stars; one submission).

Conditions:
Tuberous sclerosis 2 (TSC2). Identifiers: Orphanet 805, MedGen C1860707, MONDO:0013199, OMIM 613254.

Submission:

Labcorp Genetics (formerly Invitae), Labcorp
Classification: Uncertain significance for Tuberous sclerosis 2. Last evaluated: 2022-12-06. Review status: criteria provided, single submitter. Criteria: Invitae Variant Classification Sherloc (09022015). Collection method: clinical testing. Allele origin: germline.
Comment: Advanced modeling of protein sequence and biophysical properties (such as structural, functional, and spatial information, amino acid conservation, physicochemical variation, residue mobility, and thermodynamic stability) performed at Invitae indicates that this missense variant is not expected to disrupt TSC2 protein function. ClinVar contains an entry for this variant (Variation ID: 951556). This variant has not been reported in the literature in individuals affected with TSC2-related conditions. This variant is not present in population databases (gnomAD no frequency). This sequence change replaces asparagine, which is neutral and polar, with serine, which is neutral and polar, at codon 1182 of the TSC2 protein (p.Asn1182Ser). In summary, the available evidence is currently insufficient to determine the role of this variant in disease. Therefore, it has been classified as a Variant of Uncertain Significance.

NM_000548.5(TSC2):c.3545A>G (p.Asn1182Ser)

Gene: TSC2 (TSC complex subunit 2; plus strand). Cytogenetic location: 16p13.3.
Variant type: single nucleotide variant.
Coding change: c.3545A>G on transcript NM_000548.5 (MANE Select); coding-DNA position 3545, A replaced by G.
Protein change: p.Asn1182Ser; replaces asparagine 1182 with serine.
Molecular consequence: missense variant.
Genome position (GRCh38, 1-based): chr16:2,080,312, A>G. VCF-style: chr16-2080312-A-G. GRCh37 (hg19) VCF-style: chr16-2130313-A-G.
Other names: c.3413A>G, p.Asn1138Ser (NM_001077183.3, NM_001370404.1); c.3545A>G, p.Asn1182Ser (NM_001114382.3); c.3305A>G, p.Asn1102Ser (NM_001318827.2); c.3269A>G, p.Asn1090Ser (NM_001318829.2); c.2813A>G, p.Asn938Ser (NM_001318831.2); c.3446A>G, p.Asn1149Ser (NM_001318832.2); c.3416A>G, p.Asn1139Ser (NM_001363528.2, NM_001370405.1, NM_021055.3); short protein forms N1090S, N1182S, N1149S, N1102S, N1139S, N938S, N1138S.
Identifiers: ClinVar variation 951556 (VCV000951556.9), dbSNP rs2089974168, ClinGen allele CA394289489.
Genomic context (GRCh38, chr16:2,080,312, plus strand): 5'-CAGCCGCGAAACCTGAGAAGGCCTCAGCTGGCACCCGGGTTCCTGTGCAGGAGAAGACGA[A>G]CCTGGCGGCCTATGTGCCCCTGCTGACCCAGGGCTGGGCGGAGATCCTGGTCCGGAGGCC-3'
Protein context (NP_000539.2, residues 1172-1192): GTRVPVQEKT[Asn1182Ser]LAAYVPLLTQ